The following is an entry in ClinVar:

NM_000057.4(BLM):c.3159T>G (p.Asp1053Glu)

Gene: BLM (BLM RecQ like helicase; plus strand). Cytogenetic location: 15q26.1.
Variant type: single nucleotide variant.
Coding change: c.3159T>G on transcript NM_000057.4 (MANE Select); coding-DNA position 3159, T replaced by G.
Protein change: p.Asp1053Glu; replaces aspartic acid 1053 with glutamic acid.
Molecular consequence: missense variant.
Genome position (GRCh38, 1-based): chr15:90,794,306, T>G. VCF-style: chr15-90794306-T-G. GRCh37 (hg19) VCF-style: chr15-91337536-T-G.
Other names: c.3159T>G, p.Asp1053Glu (NM_001287246.2, NM_001287247.2); c.2034T>G, p.Asp678Glu (NM_001287248.2); short protein forms D1053E, D678E.
Identifiers: ClinVar variation 3480811 (VCV003480811.1).

ClinVar aggregate classification (germline): Uncertain significance (1 of 4 stars; one submission).

Conditions:
Hereditary cancer-predisposing syndrome. Also called: Tumor predisposition; Neoplastic Syndromes, Hereditary; Hereditary neoplastic syndrome; Hereditary Cancer Syndrome. Identifiers: Orphanet 140162, MedGen C0027672, MeSH D009386, MONDO:0015356.

Submission:

Ambry Genetics
Classification: Uncertain significance for Hereditary cancer-predisposing syndrome. Last evaluated: 2024-07-11. Review status: criteria provided, single submitter. Criteria: Ambry Variant Classification Scheme 2023. Collection method: clinical testing. Allele origin: germline.
Comment: The p.D1053E variant (also known as c.3159T>G), located in coding exon 15 of the BLM gene, results from a T to G substitution at nucleotide position 3159. The aspartic acid at codon 1053 is replaced by glutamic acid, an amino acid with highly similar properties. This amino acid position is conserved. In addition, this alteration is predicted to be tolerated by in silico analysis. Based on the available evidence, the clinical significance of this variant remains unclear.